The following is an entry in ClinVar:

ClinVar aggregate classification (germline): Uncertain significance (1 of 4 stars; one submission).

Submission:

Labcorp Genetics (formerly Invitae), Labcorp
Classification: Uncertain significance. Last evaluated: 2020-04-09. Review status: criteria provided, single submitter. Criteria: Invitae Variant Classification Sherloc (09022015). Collection method: clinical testing. Allele origin: germline.
Comment: This sequence change replaces valine with alanine at codon 123 of the RDH11 protein (p.Val123Ala). The valine residue is weakly conserved and there is a small physicochemical difference between valine and alanine. In summary, the available evidence is currently insufficient to determine the role of this variant in disease. Therefore, it has been classified as a Variant of Uncertain Significance. Algorithms developed to predict the effect of missense changes on protein structure and function are either unavailable or do not agree on the potential impact of this missense change (SIFT: "Deleterious"; PolyPhen-2: "Benign"; Align-GVGD: "Class C0"). This variant has not been reported in the literature in individuals with RDH11-related conditions. This variant is not present in population databases (ExAC no frequency).

NM_016026.4(RDH11):c.368T>C (p.Val123Ala)

Genes: GPHN (gephyrin; plus strand), RDH11 (retinol dehydrogenase 11; minus strand). Cytogenetic location: 14q24.1.
Variant type: single nucleotide variant.
Coding change: c.368T>C on transcript NM_016026.4 (MANE Select); coding-DNA position 368, T replaced by C.
Protein change: p.Val123Ala; replaces valine 123 with alanine.
Molecular consequence: missense variant.
Genome position (GRCh38, 1-based): chr14:67,691,226, A>G on the plus strand (T>C on the coding strand, the complement: RDH11 is on the minus strand). VCF-style: chr14-67691226-A-G. GRCh37 (hg19) VCF-style: chr14-68157943-A-G.
Other names: c.368T>C, p.Val123Ala (NM_001252650.2); short protein forms V123A.
Identifiers: ClinVar variation 1001171 (VCV001001171.8), dbSNP rs2037746156, ClinGen allele CA390136056.